The following is an entry in ClinVar:

NM_017534.6(MYH2):c.4529A>C (p.Asn1510Thr)

Genes: MYH2 (myosin heavy chain 2; minus strand), MYHAS (myosin heavy chain gene cluster antisense RNA; plus strand), LOC126862500 (BRD4-independent group 4 enhancer GRCh37_chr17:10427829-10429028; plus strand). Cytogenetic location: 17p13.1.
Variant type: single nucleotide variant.
Coding change: c.4529A>C on transcript NM_017534.6 (MANE Select); coding-DNA position 4529, A replaced by C.
Protein change: p.Asn1510Thr; replaces asparagine 1510 with threonine.
Molecular consequence: missense variant.
Genome position (GRCh38, 1-based): chr17:10,525,459, T>G on the plus strand (A>C on the coding strand, the complement: MYH2 is on the minus strand). VCF-style: chr17-10525459-T-G. GRCh37 (hg19) VCF-style: chr17-10428776-T-G.
Other names: c.4529A>C, p.Asn1510Thr (NM_001100112.2); short protein forms N1510T.
Identifiers: ClinVar variation 1398552 (VCV001398552.6), dbSNP rs1165680648, ClinGen allele CA398125550.

ClinVar aggregate classification (germline): Uncertain significance (1 of 4 stars; one submission).

Conditions:
Myopathy, proximal, and ophthalmoplegia (CMYO6). Also called: INCLUSION BODY MYOPATHY 3, AUTOSOMAL DOMINANT; CONGENITAL MYOPATHY 6 WITH OPHTHALMOPLEGIA; MYOPATHY WITH CONGENITAL JOINT CONTRACTURES, OPHTHALMOPLEGIA, AND RIMMED VACUOLES. Identifiers: Orphanet 363677, Orphanet 79091, MedGen C1854106, MONDO:0011577, OMIM 605637.

Allele frequency attached by ClinVar (database versions not stated): gnomAD exomes below 0.00001; TOPMed below 0.00001.

Submission:

Labcorp Genetics (formerly Invitae), Labcorp
Classification: Uncertain significance for Myopathy, proximal, and ophthalmoplegia. Last evaluated: 2021-09-17. Review status: criteria provided, single submitter. Criteria: Invitae Variant Classification Sherloc (09022015). Collection method: clinical testing. Allele origin: germline.
Comment: This variant has not been reported in the literature in individuals affected with MYH2-related conditions. This variant is not present in population databases (ExAC no frequency). This sequence change replaces asparagine with threonine at codon 1510 of the MYH2 protein (p.Asn1510Thr). The asparagine residue is highly conserved and there is a small physicochemical difference between asparagine and threonine. Algorithms developed to predict the effect of missense changes on protein structure and function (SIFT, PolyPhen-2, Align-GVGD) all suggest that this variant is likely to be disruptive. In summary, the available evidence is currently insufficient to determine the role of this variant in disease. Therefore, it has been classified as a Variant of Uncertain Significance.